The following is an entry in ClinVar:

NM_032119.4(ADGRV1):c.9507C>T (p.Cys3169=)

Gene: ADGRV1 (adhesion G protein-coupled receptor V1; plus strand). Cytogenetic location: 5q14.3.
Variant type: single nucleotide variant.
Coding change: c.9507C>T on transcript NM_032119.4 (MANE Select); coding-DNA position 9507, C replaced by T.
Protein change: p.Cys3169=; no amino-acid change (cysteine 3169 retained).
Molecular consequence: synonymous variant. On other transcripts: non-coding transcript variant (1).
Genome position (GRCh38, 1-based): chr5:90,720,107, C>T. VCF-style: chr5-90720107-C-T. GRCh37 (hg19) VCF-style: chr5-90015924-C-T.
Other names: c.9507C>T (NM_032119.3).
Identifiers: ClinVar variation 1113236 (VCV001113236.11), dbSNP rs780751886, ClinGen allele CA3340526.

ClinVar aggregate classification (germline): Likely benign. Review status: criteria provided, multiple submitters, no conflicts (2 of 4 stars). 3 submissions from 3 submitters: Likely benign (3). Last evaluated 2026-01-25.

Conditions:
ADGRV1-related disorder. Also called: ADGRV1-related condition; ADGRV1-related disorders.

Allele frequency attached by ClinVar (database versions not stated): gnomAD 0.00001 and 0.00004; TOPMed 0.00003; gnomAD exomes 0.00007 and 0.00012; ExAC 0.00012.
gnomAD v4.1: 122 of 1,613,508 alleles (0.0076%); highest among the groups gnomAD compares: South Asian, 0.081%; 1 homozygote.

Submissions (3):

Labcorp Genetics (formerly Invitae), Labcorp
Classification: Likely benign. Last evaluated: 2026-01-25. Review status: criteria provided, single submitter. Criteria: Invitae Variant Classification Sherloc (09022015). Collection method: clinical testing. Allele origin: germline.

PreventionGenetics, part of Exact Sciences
Classification: Likely benign for ADGRV1-related condition. Last evaluated: 2025-10-30. Review status: criteria provided, single submitter. Criteria: ACMG Guidelines, 2015. Collection method: clinical testing. Allele origin: germline.
Comment: This variant is classified as likely benign based on ACMG/AMP sequence variant interpretation guidelines (Richards et al. 2015 PMID: 25741868, with internal and published modifications).

Blueprint Genetics
Classification: Likely benign. Last evaluated: 2024-03-15. Review status: criteria provided, single submitter. Criteria: ACMG Guidelines, 2015. Collection method: clinical testing. Allele origin: germline.